The following is an entry in ClinVar:

ClinVar aggregate classification (germline): Uncertain significance. Review status: criteria provided, multiple submitters, no conflicts (2 of 4 stars). 2 submissions from 2 submitters: Uncertain significance (2). Last evaluated 2024-06-05.

Conditions:
Reticular dysgenesis. Also called: ALEUKOCYTOSIS; CONGENITAL ALEUKIA; HEMATOPOIETIC HYPOPLASIA, GENERALIZED; RETICULAR DYSGENESIA; SEVERE COMBINED IMMUNODEFICIENCY WITH LEUKOPENIA; DeVaal disease. Identifiers: Orphanet 33355, MedGen C0272167, MONDO:0009973, OMIM 267500.

Allele frequency attached by ClinVar (database versions not stated): gnomAD exomes below 0.00001.
gnomAD v4.1: 2 of 1,592,060 alleles (0.00013%); highest among the groups gnomAD compares: Admixed American, 0.0035%; no homozygotes.

Submissions (2):

Mayo Clinic Laboratories, Mayo Clinic
Classification: Uncertain significance. Last evaluated: 2024-06-05. Review status: criteria provided, single submitter. Criteria: ACMG Guidelines, 2015. Collection method: clinical testing. Allele origin: germline. Observed: 1 variant allele.
Comment: PP3, PM2, PM3_supporting

Genomic Medicine Center of Excellence, King Faisal Specialist Hospital and Research Centre
Classification: Uncertain significance for Reticular dysgenesis. Last evaluated: 2023-05-08. Review status: criteria provided, single submitter. Criteria: ACMG Guidelines, 2015. Collection method: research. Allele origin: germline. Affected: yes.

NM_001625.4(AK2):c.79G>C (p.Gly27Arg)

Genes: AK2 (adenylate kinase 2; minus strand), LOC129930068 (ATAC-STARR-seq lymphoblastoid active region 705; plus strand). Cytogenetic location: 1p35.1.
Variant type: single nucleotide variant.
Coding change: c.79G>C on transcript NM_001625.4 (MANE Select); coding-DNA position 79, G replaced by C.
Protein change: p.Gly27Arg; replaces glycine 27 with arginine.
Molecular consequence: missense variant. On other transcripts: 5 prime UTR variant (2), non-coding transcript variant (1).
Genome position (GRCh38, 1-based): chr1:33,036,750, C>G on the plus strand (G>C on the coding strand, the complement: AK2 is on the minus strand). VCF-style: chr1-33036750-C-G. GRCh37 (hg19) VCF-style: chr1-33502351-C-G.
Other names: p.Gly27Arg; c.79G>C, p.Gly27Arg (NM_001199199.3, NM_001319141.3, NM_001319142.3 and 2 more transcripts); c.-184G>C (NM_001319139.3, NM_001319140.2); short protein forms G27R.
Identifiers: ClinVar variation 2501776 (VCV002501776.2), dbSNP rs1310763684, ClinGen allele CA339692910.